The following is an entry in ClinVar:

NM_004304.5(ALK):c.3744-7T>C

Gene: ALK (ALK receptor tyrosine kinase; minus strand). Cytogenetic location: 2p23.2.
Variant type: single nucleotide variant.
Coding change: c.3744-7T>C on transcript NM_004304.5 (MANE Select); 7 bases into the intron before coding-DNA position 3744, T replaced by C.
Molecular consequence: intron variant.
Genome position (GRCh38, 1-based): chr2:29,209,885, A>G on the plus strand (T>C on the coding strand, the complement: ALK is on the minus strand). VCF-style: chr2-29209885-A-G. GRCh37 (hg19) VCF-style: chr2-29432751-A-G.
Other names: c.540-7T>C (NM_001353765.2).
Identifiers: ClinVar variation 1970265 (VCV001970265.5), dbSNP rs2148155414, ClinGen allele CA2580066306.

ClinVar aggregate classification (germline): Uncertain significance (1 of 4 stars; one submission).

Conditions:
Neuroblastoma, susceptibility to, 3. Also called: ALK-Related Neuroblastic Tumor Susceptibility. Identifiers: Orphanet 635, MedGen C2751681, MONDO:0013083, OMIM 613014.

Submission:

Labcorp Genetics (formerly Invitae), Labcorp
Classification: Uncertain significance for Neuroblastoma, susceptibility to, 3. Last evaluated: 2022-08-14. Review status: criteria provided, single submitter. Criteria: Invitae Variant Classification Sherloc (09022015). Collection method: clinical testing. Allele origin: germline.
Comment: This sequence change falls in intron 24 of the ALK gene. It does not directly change the encoded amino acid sequence of the ALK protein. This variant is not present in population databases (gnomAD no frequency). This variant has not been reported in the literature in individuals affected with ALK-related conditions. Algorithms developed to predict the effect of sequence changes on RNA splicing suggest that this variant may create or strengthen a splice site. In summary, the available evidence is currently insufficient to determine the role of this variant in disease. Therefore, it has been classified as a Variant of Uncertain Significance.